The following is an entry in ClinVar:

ClinVar aggregate classification (germline): Uncertain significance. Review status: criteria provided, multiple submitters, no conflicts (2 of 4 stars). 2 submissions from 2 submitters: Uncertain significance (2). Last evaluated 2025-01-27.

Allele frequency attached by ClinVar (database versions not stated): TOPMed 0.00002.

Submissions (2):

Labcorp Genetics (formerly Invitae), Labcorp
Classification: Uncertain significance. Last evaluated: 2025-01-27. Review status: criteria provided, single submitter. Criteria: Invitae Variant Classification Sherloc (09022015). Collection method: clinical testing. Allele origin: germline.
Comment: This sequence change replaces arginine, which is basic and polar, with glutamine, which is neutral and polar, at codon 588 of the SETD5 protein (p.Arg588Gln). This variant is not present in population databases (gnomAD no frequency). This missense change has been observed in individual(s) with clinical features of SETD5-related conditions (PMID: 33004838). ClinVar contains an entry for this variant (Variation ID: 1478763). Invitae Evidence Modeling of protein sequence and biophysical properties (such as structural, functional, and spatial information, amino acid conservation, physicochemical variation, residue mobility, and thermodynamic stability) has been performed for this missense variant. However, the output from this modeling did not meet the statistical confidence thresholds required to predict the impact of this variant on SETD5 protein function. In summary, the available evidence is currently insufficient to determine the role of this variant in disease. Therefore, it has been classified as a Variant of Uncertain Significance.

GeneDx
Classification: Uncertain significance. Last evaluated: 2022-04-11. Review status: criteria provided, single submitter. Criteria: GeneDx Variant Classification Process June 2021. Collection method: clinical testing. Allele origin: germline. Affected: yes.
Comment: Reported previously in a cohort if individuals with a neurodevelopmental disorder; however, detailed clinical information and segregation data was not available (Wang et al., 2020); Not observed at significant frequency in large population cohorts (gnomAD); In silico analysis supports that this missense variant does not alter protein structure/function; This variant is associated with the following publications: (PMID: 33004838)

Literature cited by the submitters: PubMed 33004838 (cited by Labcorp Genetics (formerly Invitae), Labcorp).

NM_001080517.3(SETD5):c.1763G>A (p.Arg588Gln)

Gene: SETD5 (SET domain containing 5; plus strand). Cytogenetic location: 3p25.3.
Variant type: single nucleotide variant.
Coding change: c.1763G>A on transcript NM_001080517.3 (MANE Select); coding-DNA position 1763, G replaced by A.
Protein change: p.Arg588Gln; replaces arginine 588 with glutamine.
Molecular consequence: missense variant.
Genome position (GRCh38, 1-based): chr3:9,447,288, G>A. VCF-style: chr3-9447288-G-A. GRCh37 (hg19) VCF-style: chr3-9488972-G-A.
Other names: c.1469G>A, p.Arg490Gln (NM_001292043.2, NM_001349451.2); short protein forms R588Q, R490Q.
Identifiers: ClinVar variation 1478763 (VCV001478763.9), dbSNP rs768141005, ClinGen allele CA69962934.